The following is an entry in ClinVar:

ClinVar aggregate classification (germline): Uncertain significance (1 of 4 stars; one submission).

Allele frequency attached by ClinVar (database versions not stated): gnomAD exomes below 0.00001.
gnomAD v4.1: 2 of 1,611,194 alleles (0.00012%); highest among the groups gnomAD compares: Admixed American, 0.0017%; no homozygotes.

Submission:

Labcorp Genetics (formerly Invitae), Labcorp
Classification: Uncertain significance. Last evaluated: 2021-06-04. Review status: criteria provided, single submitter. Criteria: Invitae Variant Classification Sherloc (09022015). Collection method: clinical testing. Allele origin: germline.
Comment: Algorithms developed to predict the effect of missense changes on protein structure and function are either unavailable or do not agree on the potential impact of this missense change (SIFT: "Deleterious"; PolyPhen-2: "Probably Damaging"; Align-GVGD: "Class C0"). This sequence change replaces proline with serine at codon 237 of the PYROXD1 protein (p.Pro237Ser). The proline residue is highly conserved and there is a moderate physicochemical difference between proline and serine. This variant is not present in population databases (ExAC no frequency). This variant has not been reported in the literature in individuals with PYROXD1-related conditions. In summary, the available evidence is currently insufficient to determine the role of this variant in disease. Therefore, it has been classified as a Variant of Uncertain Significance.

NM_024854.5(PYROXD1):c.709C>T (p.Pro237Ser)

Gene: PYROXD1 (pyridine nucleotide-disulphide oxidoreductase domain 1; plus strand). Cytogenetic location: 12p12.1.
Variant type: single nucleotide variant.
Coding change: c.709C>T on transcript NM_024854.5 (MANE Select); coding-DNA position 709, C replaced by T.
Protein change: p.Pro237Ser; replaces proline 237 with serine.
Molecular consequence: missense variant. On other transcripts: 5 prime UTR variant (1).
Genome position (GRCh38, 1-based): chr12:21,456,054, C>T. VCF-style: chr12-21456054-C-T. GRCh37 (hg19) VCF-style: chr12-21608988-C-T.
Other names: c.496C>T, p.Pro166Ser (NM_001350912.2); c.-69C>T (NM_001350913.2); short protein forms P166S, P237S.
Identifiers: ClinVar variation 1358919 (VCV001358919.8), dbSNP rs375439030, ClinGen allele CA384108335.